The following is an entry in ClinVar:

NM_014679.5(CEP57):c.1333G>A (p.Asp445Asn)

Gene: CEP57 (centrosomal protein 57; plus strand). Cytogenetic location: 11q21.
Variant type: single nucleotide variant.
Coding change: c.1333G>A on transcript NM_014679.5 (MANE Select); coding-DNA position 1333, G replaced by A.
Protein change: p.Asp445Asn; replaces aspartic acid 445 with asparagine.
Molecular consequence: missense variant.
Genome position (GRCh38, 1-based): chr11:95,831,086, G>A. VCF-style: chr11-95831086-G-A. GRCh37 (hg19) VCF-style: chr11-95564250-G-A.
Other names: c.1306G>A, p.Asp436Asn (NM_001243776.2); c.1255G>A, p.Asp419Asn (NM_001243777.2); c.1252G>A, p.Asp418Asn (NM_001363604.2, NM_001440869.1, NM_001440870.1); c.1225G>A, p.Asp409Asn (NM_001440871.1); c.1216G>A, p.Asp406Asn (NM_001440872.1); c.1153G>A, p.Asp385Asn (NM_001440873.1); c.1147G>A, p.Asp383Asn (NM_001440874.1); c.1144G>A, p.Asp382Asn (NM_001440875.1); and 6 more; short protein forms D346N, D380N, D382N, D409N, D445N, D344N, D358N, D379N.
Identifiers: ClinVar variation 4226374 (VCV004226374.1).

ClinVar aggregate classification (germline): Uncertain significance (1 of 4 stars; one submission).

Conditions:
Inborn genetic diseases. Identifiers: MedGen C0950123, MeSH D030342.

gnomAD v4.1: 3 of 1,613,522 alleles (0.00019%); highest among the groups gnomAD compares: African/African-American, 0.004%; no homozygotes.

Submission:

Ambry Genetics
Classification: Uncertain significance for Inborn genetic diseases. Last evaluated: 2025-08-10. Review status: criteria provided, single submitter. Criteria: Ambry Variant Classification Scheme 2023. Collection method: clinical testing. Allele origin: germline.
Comment: The p.D445N variant (also known as c.1333G>A), located in coding exon 11 of the CEP57 gene, results from a G to A substitution at nucleotide position 1333. The aspartic acid at codon 445 is replaced by asparagine, an amino acid with highly similar properties. This amino acid position is conserved. In addition, this alteration is predicted to be tolerated by in silico analysis. Based on the available evidence, the clinical significance of this variant remains unclear.